The following is an entry in ClinVar:

NM_007294.4(BRCA1):c.635C>T (p.Thr212Ile)

Gene: BRCA1 (BRCA1 DNA repair associated; minus strand). Cytogenetic location: 17q21.31.
Variant type: single nucleotide variant.
Coding change: c.635C>T on transcript NM_007294.4 (MANE Select); coding-DNA position 635, C replaced by T.
Protein change: p.Thr212Ile; replaces threonine 212 with isoleucine.
Molecular consequence: missense variant. On other transcripts: non-coding transcript variant (1).
Genome position (GRCh38, 1-based): chr17:43,095,881, G>A on the plus strand (C>T on the coding strand, the complement: BRCA1 is on the minus strand). VCF-style: chr17-43095881-G-A. GRCh37 (hg19) VCF-style: chr17-41247898-G-A.
Other names: c.494C>T, p.Thr165Ile (NM_001407727.1, NM_001407728.1, NM_001407729.1 and 43 more transcripts); c.491C>T, p.Thr164Ile (NM_001407740.1, NM_001407741.1, NM_001407742.1 and 26 more transcripts); c.422C>T, p.Thr141Ile (NM_001407853.1, NM_001407894.1, NM_001407895.1 and 12 more transcripts); c.635C>T, p.Thr212Ile (NM_001407854.1, NM_001407858.1, NM_001407859.1 and 59 more transcripts); c.632C>T, p.Thr211Ile (NM_001407860.1, NM_001407861.1, NM_001407972.1 and 41 more transcripts); c.425C>T, p.Thr142Ile (NM_001407879.1, NM_001407881.1, NM_001407882.1 and 27 more transcripts); c.254C>T, p.Thr85Ile (NM_001407959.1, NM_001407960.1, NM_001407963.1 and 1 more transcripts); c.251C>T, p.Thr84Ile (NM_001407962.1); and 4 more; short protein forms T212I, T165I, T141I, T186I, T209I, T164I, T185I, T211I.
Identifiers: ClinVar variation 919790 (VCV000919790.5), dbSNP rs2054112546, ClinGen allele CA10600832.
Genomic context (GRCh38, chr17:43,095,881, plus strand): 5'-TTAAGTTGGCAAACTTTGCCATTACCCTTTTTTGCAGAATCCAAACTGATTTCATCCCTG[G>A]TTCCTTGAGGGGTGATTTGTAACAATTCTTGATCTCCCACACTATAGGGAAAAGACAGAG-3'
Protein context (NP_009225.1, residues 202-222): QELLQITPQG[Thr212Ile]RDEISLDSAK

ClinVar aggregate classification (germline): Uncertain significance. Review status: criteria provided, multiple submitters, no conflicts (2 of 4 stars). 2 submissions from 2 submitters: Uncertain significance (2). Last evaluated 2024-12-30.

Conditions:
Hereditary breast ovarian cancer syndrome. Also called: BRCA1- and BRCA2-Associated Hereditary Breast and Ovarian Cancer; Hereditary breast and ovarian cancer syndrome; Hereditary breast and ovarian cancer; Hereditary breast and ovarian cancer syndrome (HBOC); Breast and ovarian cancer; Hereditary breast and/or ovarian cancer syndrome. Identifiers: Orphanet 145, MedGen C0677776, MeSH D061325, MONDO:0003582. Disease mechanism: loss of function.
Hereditary cancer-predisposing syndrome. Also called: Neoplastic Syndromes, Hereditary; Tumor predisposition; Hereditary Cancer Syndrome; Hereditary neoplastic syndrome. Identifiers: Orphanet 140162, MedGen C0027672, MeSH D009386, MONDO:0015356.

Allele frequency attached by ClinVar (database versions not stated): gnomAD exomes below 0.00001.
gnomAD v4.1: 4 of 1,613,858 alleles (0.00025%); highest among the groups gnomAD compares: Non-Finnish European, 0.00034%; no homozygotes.

Submissions (2):

Labcorp Genetics (formerly Invitae), Labcorp
Classification: Uncertain significance for Hereditary breast ovarian cancer syndrome. Last evaluated: 2024-12-30. Review status: criteria provided, single submitter. Criteria: Invitae Variant Classification Sherloc (09022015). Collection method: clinical testing. Allele origin: germline.
Comment: This sequence change replaces threonine, which is neutral and polar, with isoleucine, which is neutral and non-polar, at codon 212 of the BRCA1 protein (p.Thr212Ile). This variant is not present in population databases (gnomAD no frequency). This variant has not been reported in the literature in individuals affected with BRCA1-related conditions. ClinVar contains an entry for this variant (Variation ID: 919790). Invitae Evidence Modeling of protein sequence and biophysical properties (such as structural, functional, and spatial information, amino acid conservation, physicochemical variation, residue mobility, and thermodynamic stability) indicates that this missense variant is not expected to disrupt BRCA1 protein function with a negative predictive value of 80%. Algorithms developed to predict the effect of sequence changes on RNA splicing suggest that this variant may disrupt the consensus splice site. In summary, the available evidence is currently insufficient to determine the role of this variant in disease. Therefore, it has been classified as a Variant of Uncertain Significance.

Color Diagnostics, LLC DBA Color Health
Classification: Uncertain significance for Hereditary cancer-predisposing syndrome. Last evaluated: 2019-05-16. Review status: criteria provided, single submitter. Criteria: ACMG Guidelines, 2015. Collection method: clinical testing. Allele origin: germline.